The following is an entry in ClinVar:

NM_000245.4(MET):c.2128T>C (p.Tyr710His)

Gene: MET (MET proto-oncogene, receptor tyrosine kinase; plus strand). Cytogenetic location: 7q31.2.
Variant type: single nucleotide variant.
Coding change: c.2128T>C on transcript NM_000245.4 (MANE Select); coding-DNA position 2128, T replaced by C.
Protein change: p.Tyr710His; replaces tyrosine 710 with histidine.
Molecular consequence: missense variant.
Genome position (GRCh38, 1-based): chr7:116,758,484, T>C. VCF-style: chr7-116758484-T-C. GRCh37 (hg19) VCF-style: chr7-116398538-T-C.
Other names: c.2128T>C, p.Tyr710His (NM_001127500.3, NM_001324401.3); c.838T>C, p.Tyr280His (NM_001324402.2); short protein forms Y280H, Y710H.
Identifiers: ClinVar variation 1018877 (VCV001018877.9), dbSNP rs1794273981, ClinGen allele CA368980457.
Genomic context (GRCh38, chr7:116,758,484, plus strand): 5'-AGCTAAAATTCACTTCCTTAATTTTTTTTGTTCAGTGTGTCAAACAGTATTCTTGAATGT[T>C]ATACCCCAGCCCAAACCATTTCAACTGAGTTTGCTGTTAAATTGAAAATTGACTTAGCCA-3'
Protein context (NP_000236.2, residues 700-720): KSVSNSILEC[Tyr710His]TPAQTISTEF

ClinVar aggregate classification (germline): Uncertain significance. Review status: criteria provided, multiple submitters, no conflicts (2 of 4 stars). 3 submissions from 3 submitters: Uncertain significance (3). Last evaluated 2025-10-29.

Conditions:
Renal cell carcinoma. Identifiers: Orphanet 217071, MedGen C0007134, MeSH D002292, MONDO:0005086, HP:0005584.
Hereditary cancer-predisposing syndrome. Also called: Tumor predisposition; Neoplastic Syndromes, Hereditary; Hereditary neoplastic syndrome; Hereditary Cancer Syndrome. Identifiers: Orphanet 140162, MedGen C0027672, MeSH D009386, MONDO:0015356.
Autosomal recessive nonsyndromic hearing loss 97. Also called: Deafness, autosomal recessive 97. Identifiers: Orphanet 90636, MedGen C4084709, MONDO:0014739, OMIM 616705.

Allele frequency attached by ClinVar (database versions not stated): gnomAD exomes below 0.00001; gnomAD 0.00001; TOPMed 0.00001.
gnomAD v4.1: 2 of 1,613,758 alleles (0.00012%); highest among the groups gnomAD compares: African/African-American, 0.0027%; no homozygotes.

Submissions (3):

Labcorp Genetics (formerly Invitae), Labcorp
Classification: Uncertain significance for Renal cell carcinoma. Last evaluated: 2025-10-29. Review status: criteria provided, single submitter. Criteria: Invitae Variant Classification Sherloc (09022015). Collection method: clinical testing. Allele origin: germline.
Comment: This sequence change replaces tyrosine, which is neutral and polar, with histidine, which is basic and polar, at codon 710 of the MET protein (p.Tyr710His). This variant is not present in population databases (gnomAD no frequency). This variant has not been reported in the literature in individuals affected with MET-related conditions. ClinVar contains an entry for this variant (Variation ID: 1018877). Invitae Evidence Modeling of protein sequence and biophysical properties (such as structural, functional, and spatial information, amino acid conservation, physicochemical variation, residue mobility, and thermodynamic stability) indicates that this missense variant is not expected to disrupt MET protein function with a negative predictive value of 80%. In summary, the available evidence is currently insufficient to determine the role of this variant in disease. Therefore, it has been classified as a Variant of Uncertain Significance.

Ambry Genetics
Classification: Uncertain significance for Hereditary cancer-predisposing syndrome. Last evaluated: 2024-06-08. Review status: criteria provided, single submitter. Criteria: Ambry Variant Classification Scheme 2023. Collection method: clinical testing. Allele origin: germline.
Comment: The p.Y710H variant (also known as c.2128T>C), located in coding exon 8 of the MET gene, results from a T to C substitution at nucleotide position 2128. The tyrosine at codon 710 is replaced by histidine, an amino acid with similar properties. This amino acid position is conserved. In addition, this alteration is predicted to be deleterious by in silico analysis. Since supporting evidence is limited at this time, the clinical significance of this alteration remains unclear.

Baylor Genetics
Classification: Uncertain significance for Autosomal recessive nonsyndromic hearing loss 97. Last evaluated: 2023-10-19. Review status: criteria provided, single submitter. Criteria: ACMG Guidelines, 2015. Collection method: clinical testing. Allele origin: unknown.